The following is an entry in ClinVar:

ClinVar aggregate classification (germline): Uncertain significance. Review status: criteria provided, single submitter (1 of 4 stars). 2 submissions from 2 submitters: Uncertain significance (1). 1 of the submissions does not count toward it. Last evaluated 2023-11-17.

Conditions:
Anauxetic dysplasia. Identifiers: Orphanet 93347, MedGen C1846796, MONDO:0011773.
Metaphyseal chondrodysplasia, McKusick type (CHH). Also called: Cartilage-hair hypoplasia; Cartilage-Hair Hypoplasia (CHH). Identifiers: Orphanet 175, MedGen C0220748, MONDO:0009595, OMIM 250250.

Allele frequency attached by ClinVar (database versions not stated): gnomAD exomes below 0.00001; gnomAD 0.00001; TOPMed 0.00001.

Submissions (2):

Labcorp Genetics (formerly Invitae), Labcorp
Classification: Uncertain significance for Anauxetic dysplasia. Last evaluated: 2023-11-17. Review status: criteria provided, single submitter. Criteria: Invitae Variant Classification Sherloc (09022015). Collection method: clinical testing. Allele origin: germline.
Comment: This variant occurs in the RMRP gene, which encodes an RNA molecule that does not result in a protein product. This variant is present in population databases (no rsID available, gnomAD 0.007%). This variant has not been reported in the literature in individuals affected with RMRP-related conditions. ClinVar contains an entry for this variant (Variation ID: 554450). Experimental studies and prediction algorithms are not available or were not evaluated, and the functional significance of this variant is currently unknown. In summary, the available evidence is currently insufficient to determine the role of this variant in disease. Therefore, it has been classified as a Variant of Uncertain Significance.

Counsyl
Classification: Uncertain significance for Metaphyseal chondrodysplasia, McKusick type. Last evaluated: 2017-10-19. Review status: no assertion criteria provided. Collection method: clinical testing. Allele origin: unknown. Not counted in ClinVar's aggregate classification.

NC_000009.12:g.35657948_35657949del

Gene: RMRP (RNA component of mitochondrial RNA processing endoribonuclease; minus strand). Cytogenetic location: 9p13.3.
Variant type: Deletion.
Genome position: GRCh38 VCF-style: chr9-35657947-TTC-T. GRCh37 (hg19) VCF-style: chr9-35657944-TTC-T.
Identifiers: ClinVar variation 554450 (VCV000554450.5), dbSNP rs1491544612, ClinGen allele CA587570266.